The following is an entry in ClinVar:

ClinVar aggregate classification (germline): Uncertain significance (1 of 4 stars; one submission).

Conditions:
Retinoblastoma (RB1). Also called: RETINOBLASTOMA, SOMATIC. Identifiers: Orphanet 790, MedGen C0035335, MeSH D012175, MONDO:0008380, OMIM 180200, HP:0009919. Disease mechanism: loss of function. Inheritance: Both sporadic and heritable forms are tested..

Submission:

Labcorp Genetics (formerly Invitae), Labcorp
Classification: Uncertain significance for Retinoblastoma. Last evaluated: 2025-05-18. Review status: criteria provided, single submitter. Criteria: Invitae Variant Classification Sherloc (09022015). Collection method: clinical testing. Allele origin: germline.
Comment: This sequence change replaces aspartic acid, which is acidic and polar, with asparagine, which is neutral and polar, at codon 286 of the RB1 protein (p.Asp286Asn). This variant is not present in population databases (gnomAD no frequency). This variant has not been reported in the literature in individuals affected with RB1-related conditions. Invitae Evidence Modeling of protein sequence and biophysical properties (such as structural, functional, and spatial information, amino acid conservation, physicochemical variation, residue mobility, and thermodynamic stability) indicates that this missense variant is expected to disrupt RB1 protein function with a positive predictive value of 80%. This variant disrupts the p.Asp286 amino acid residue in RB1. Other variant(s) that disrupt this residue have been determined to be pathogenic (PMID: 23532519; internal data). This suggests that this residue is clinically significant, and that variants that disrupt this residue are likely to be disease-causing. In summary, the available evidence is currently insufficient to determine the role of this variant in disease. Therefore, it has been classified as a Variant of Uncertain Significance.

Literature cited by the submitters: PubMed 23532519.

NM_000321.3(RB1):c.856G>A (p.Asp286Asn)

Gene: RB1 (RB transcriptional corepressor 1; plus strand). Cytogenetic location: 13q14.2.
Variant type: single nucleotide variant.
Coding change: c.856G>A on transcript NM_000321.3 (MANE Select); coding-DNA position 856, G replaced by A.
Protein change: p.Asp286Asn; replaces aspartic acid 286 with asparagine.
Molecular consequence: missense variant.
Genome position (GRCh38, 1-based): chr13:48,362,952, G>A. VCF-style: chr13-48362952-G-A. GRCh37 (hg19) VCF-style: chr13-48937088-G-A.
Other names: c.856G>A, p.Asp286Asn (NM_001407165.1, NM_001407166.1); short protein forms D286N.
Identifiers: ClinVar variation 4746588 (VCV004746588.1).